The following is an entry in ClinVar:

ClinVar aggregate classification (germline): Benign/Likely benign. Review status: criteria provided, multiple submitters, no conflicts (2 of 4 stars). 4 submissions from 4 submitters: Benign (1); Likely benign (3). Last evaluated 2026-01-07.

Conditions:
Imerslund-Grasbeck syndrome type 1 (IGS1). Also called: Megaloblastic anemia 1, Finnish type; MEGALOBLASTIC ANEMIA, 1; Imerslund-Gräsbeck syndrome 1. Identifiers: MedGen C4016819, MONDO:0100156, OMIM 261100.
Imerslund-Grasbeck syndrome. Also called: ENTEROCYTE COBALAMIN MALABSORPTION; ENTEROCYTE INTRINSIC FACTOR RECEPTOR, DEFECT OF; Imerslund-Gräsbeck syndrome; PERNICIOUS ANEMIA, JUVENILE, DUE TO SELECTIVE INTESTINAL MALABSORPTION OF VITAMIN B12, WITH PROTEINURIA; Megaloblastic anemia due to inborn errors of metabolism. Identifiers: Orphanet 35858, MedGen C4551825, MONDO:0009853.

Allele frequency attached by ClinVar (database versions not stated): gnomAD exomes 0.00041 and 0.00112; gnomAD 0.00304 and 0.00293; TOPMed 0.00320; 1000 Genomes Project 0.00499; 1000 Genomes Project 30x 0.00578; ExAC 0.00129; ESP Exome Variant Server 0.00300.
gnomAD v4.1: 1,069 of 1,613,944 alleles (0.066%); highest among the groups gnomAD compares: African/African-American, 0.8%; 9 homozygotes.

Submissions (4):

Labcorp Genetics (formerly Invitae), Labcorp
Classification: Benign for Imerslund-Grasbeck syndrome. Last evaluated: 2026-01-07. Review status: criteria provided, single submitter. Criteria: Invitae Variant Classification Sherloc (09022015). Collection method: clinical testing. Allele origin: germline.

Blueprint Genetics
Classification: Likely benign. Last evaluated: 2024-11-25. Review status: criteria provided, single submitter. Criteria: ACMG Guidelines, 2015. Collection method: clinical testing. Allele origin: germline.

Illumina Laboratory Services, Illumina
Classification: Likely benign for Imerslund-Grasbeck syndrome type 1. Last evaluated: 2018-01-12. Review status: criteria provided, single submitter. Criteria: ICSL Variant Classification Criteria 13 December 2019. Collection method: clinical testing. Allele origin: germline.
Comment: This variant was observed in the ICSL laboratory as part of a predisposition screen in an ostensibly healthy population. It had not been previously curated by ICSL or reported in the Human Gene Mutation Database (HGMD: prior to June 1st, 2018), and was therefore a candidate for classification through an automated scoring system. Utilizing variant allele frequency, disease prevalence and penetrance estimates, and inheritance mode, an automated score was calculated to assess if this variant is too frequent to cause the disease. Based on the score and internal cut-off values, a variant classified as likely benign is not then subjected to further curation. The score for this variant resulted in a classification of likely benign for this disease.

Breakthrough Genomics
Classification: Likely benign. Review status: criteria provided, single submitter. Criteria: ACMG Guidelines, 2015. Collection method: not provided. Allele origin: germline. Inheritance: Autosomal recessive inheritance. Affected: yes.

NM_001081.4(CUBN):c.5680A>G (p.Ile1894Val)

Gene: CUBN (cubilin; minus strand). Cytogenetic location: 10p13.
Variant type: single nucleotide variant.
Coding change: c.5680A>G on transcript NM_001081.4 (MANE Select); coding-DNA position 5680, A replaced by G.
Protein change: p.Ile1894Val; replaces isoleucine 1894 with valine.
Molecular consequence: missense variant.
Genome position (GRCh38, 1-based): chr10:16,939,016, T>C on the plus strand (A>G on the coding strand, the complement: CUBN is on the minus strand). VCF-style: chr10-16939016-T-C. GRCh37 (hg19) VCF-style: chr10-16981015-T-C.
Other names: short protein forms I1894V.
Identifiers: ClinVar variation 299457 (VCV000299457.17), dbSNP rs76789390, ClinGen allele CA5423945.
Genomic context (GRCh38, chr10:16,939,016, plus strand): 5'-AACTCACCCTTAATTTGTCATAATAGCAGTTTTGTATTTCTTCTATGTCCATCTCCAAGA[T>C]TCTACCATGGACAACGTGAGATGCATTCACATTTACTGTCCATTGGTAATTGGAGTTATG-3'
Protein context (NP_001072.2, residues 1884-1904): VNASHVVHGR[Ile1894Val]LEMDIEEIQN